The following is an entry in ClinVar:

ClinVar aggregate classification (germline): Uncertain significance (1 of 4 stars; one submission).

Submission:

Labcorp Genetics (formerly Invitae), Labcorp
Classification: Uncertain significance. Last evaluated: 2021-08-27. Review status: criteria provided, single submitter. Criteria: Invitae Variant Classification Sherloc (09022015). Collection method: clinical testing. Allele origin: germline.
Comment: This variant is not present in population databases (ExAC no frequency). This sequence change creates a premature translational stop signal (p.Gln12Serfs*63) in the PPCS gene. It is expected to result in an absent or disrupted protein product. However, the current clinical and genetic evidence is not sufficient to establish whether loss-of-function variants in PPCS cause disease. This variant has not been reported in the literature in individuals affected with PPCS-related conditions. In summary, the available evidence is currently insufficient to determine the role of this variant in disease. Therefore, it has been classified as a Variant of Uncertain Significance.

NM_024664.4(PPCS):c.34del (p.Gln12fs)

Genes: CCDC30 (coiled-coil domain containing 30; plus strand), PPCS (phosphopantothenoylcysteine synthetase; plus strand). Cytogenetic location: 1p34.2.
Variant type: Deletion.
Coding change: c.34del on transcript NM_024664.4 (MANE Select); coding-DNA position 34, one base deleted (C; older notation c.34delC).
Protein change: p.Gln12fs; shifts the reading frame from glutamine 12.
Molecular consequence: frameshift variant. On other transcripts: 5 prime UTR variant (3), intron variant (4).
Genome position (GRCh38, 1-based): chr1:42,456,599, C deleted; the last of 5 consecutive C bases (chr1:42,456,595-42,456,599); deleting any one gives the same sequence. VCF-style (leftmost placement, unchanged base first): chr1-42456594-TC-T. GRCh37 (hg19) VCF-style: chr1-42922265-TC-T.
Other names: c.-41del (NM_001077447.3); c.-137del (NM_001287508.2); c.-659del (NM_001287510.2); c.34del, p.Gln12fs (NM_001287511.2); c.-984+100del (NM_001355226.2); c.-328+100del (NM_001287507.1); c.-12+100del (NM_001287506.1); c.-12+16del (NM_001287509.2); short protein forms Q12fs.
Identifiers: ClinVar variation 1429312 (VCV001429312.7), dbSNP rs1643193337, ClinGen allele CA1165221893.